The following is an entry in ClinVar:

ClinVar aggregate classification (germline): Uncertain significance (1 of 4 stars; one submission).

Allele frequency attached by ClinVar (database versions not stated): ExAC 0.00001; gnomAD 0.00002; TOPMed 0.00002; gnomAD exomes 0.00003.
gnomAD v4.1: 48 of 1,613,530 alleles (0.003%); highest among the groups gnomAD compares: Non-Finnish European, 0.0038%; no homozygotes.

Submission:

GeneDx
Classification: Uncertain significance. Last evaluated: 2023-01-09. Review status: criteria provided, single submitter. Criteria: GeneDx Variant Classification Process June 2021. Collection method: clinical testing. Allele origin: germline. Affected: yes.
Comment: Not observed at significant frequency in large population cohorts (gnomAD); In silico analysis supports that this missense variant has a deleterious effect on protein structure/function; Has not been previously published as pathogenic or benign to our knowledge

NM_007103.4(NDUFV1):c.1223A>C (p.Glu408Ala)

Genes: NDUFV1 (NADH:ubiquinone oxidoreductase core subunit V1; plus strand), LOC126861242 (CDK7 strongly-dependent group 2 enhancer GRCh37_chr11:67379204-67380403; plus strand). Cytogenetic location: 11q13.2.
Variant type: single nucleotide variant.
Coding change: c.1223A>C on transcript NM_007103.4 (MANE Select); coding-DNA position 1223, A replaced by C.
Protein change: p.Glu408Ala; replaces glutamic acid 408 with alanine.
Molecular consequence: missense variant.
Genome position (GRCh38, 1-based): chr11:67,612,180, A>C. VCF-style: chr11-67612180-A-C. GRCh37 (hg19) VCF-style: chr11-67379651-A-C.
Other names: c.1196A>C, p.Glu399Ala (NM_001166102.2); short protein forms E399A, E408A.
Identifiers: ClinVar variation 2571714 (VCV002571714.1), dbSNP rs760250432, ClinGen allele CA6143454.